The following is an entry in ClinVar:

ClinVar aggregate classification (germline): Uncertain significance (1 of 4 stars; one submission).

Conditions:
Hereditary cancer-predisposing syndrome. Also called: Hereditary Cancer Syndrome; Hereditary neoplastic syndrome; Neoplastic Syndromes, Hereditary; Tumor predisposition. Identifiers: Orphanet 140162, MedGen C0027672, MeSH D009386, MONDO:0015356.

Allele frequency attached by ClinVar (database versions not stated): ExAC 0.00001.
gnomAD v4.1: 1 of 1,612,168 alleles (0.000062%); highest among the groups gnomAD compares: South Asian, 0.0011%; no homozygotes.

Submission:

Ambry Genetics
Classification: Uncertain significance for Hereditary cancer-predisposing syndrome. Last evaluated: 2021-07-03. Review status: criteria provided, single submitter. Criteria: Ambry Variant Classification Scheme 2023. Collection method: clinical testing. Allele origin: germline.
Comment: The p.E348V variant (also known as c.1043A>T), located in coding exon 10 of the PMS2 gene, results from an A to T substitution at nucleotide position 1043. The glutamic acid at codon 348 is replaced by valine, an amino acid with dissimilar properties. This amino acid position is highly conserved in available vertebrate species. In addition, this alteration is predicted to be deleterious by in silico analysis. Since supporting evidence is limited at this time, the clinical significance of this alteration remains unclear.

NM_000535.7(PMS2):c.1043A>T (p.Glu348Val)

Gene: PMS2 (PMS1 homolog 2, mismatch repair system component; minus strand). Cytogenetic location: 7p22.1.
Variant type: single nucleotide variant.
Coding change: c.1043A>T on transcript NM_000535.7 (MANE Select); coding-DNA position 1043, A replaced by T.
Protein change: p.Glu348Val; replaces glutamic acid 348 with valine.
Molecular consequence: missense variant. On other transcripts: non-coding transcript variant (1), intron variant (2).
Genome position (GRCh38, 1-based): chr7:5,989,901, T>A on the plus strand (A>T on the coding strand, the complement: PMS2 is on the minus strand). VCF-style: chr7-5989901-T-A. GRCh37 (hg19) VCF-style: chr7-6029532-T-A.
Other names: c.638A>T, p.Glu213Val (NM_001018040.1, NM_001322003.2, NM_001322004.2 and 17 more transcripts); c.725A>T, p.Glu242Val (NM_001322007.2, NM_001322008.2, NM_001406876.1 and 2 more transcripts); c.110A>T, p.Glu37Val (NM_001322011.2, NM_001322012.2); c.470A>T, p.Glu157Val (NM_001322013.2, NM_001406909.1); c.1043A>T, p.Glu348Val (NM_001322014.2, NM_001406871.1, NM_001406872.1); c.734A>T, p.Glu245Val (NM_001322015.2, NM_001406875.1, NM_001406877.1 and 5 more transcripts); c.1229A>T, p.Glu410Val (NM_001406866.1); c.1067A>T, p.Glu356Val (NM_001406868.1); and 9 more; short protein forms E177V, E312V, E37V, E213V, E236V, E245V, E356V, E157V.
Identifiers: ClinVar variation 1774700 (VCV001774700.2), dbSNP rs753289423, ClinGen allele CA041695.
Genomic context (GRCh38, chr7:5,989,901, plus strand): 5'-TTGACATCACTATCAAACATTCCTATCAAAGAGGTCTTTAAAACTGCCAACAAAAGCTTT[T>A]CCTCTTGTAGCAAAATTTGCCTTTTATCTGGAGTAACATTGATATCAACGCATTCTAAGG-3'
Protein context (NP_000526.2, residues 338-358): PDKRQILLQE[Glu348Val]KLLLAVLKTS